The following is an entry in ClinVar:

ClinVar aggregate classification (germline): Uncertain significance. Review status: criteria provided, multiple submitters, no conflicts (2 of 4 stars). 2 submissions from 2 submitters: Uncertain significance (2). Last evaluated 2024-09-27.

Conditions:
Inborn genetic diseases. Identifiers: MedGen C0950123, MeSH D030342.

Allele frequency attached by ClinVar (database versions not stated): gnomAD exomes 0.00003 and 0.00006; TOPMed 0.00011; gnomAD 0.00021.

Submissions (2):

Ambry Genetics
Classification: Uncertain significance for Inborn genetic diseases. Last evaluated: 2024-09-27. Review status: criteria provided, single submitter. Criteria: Ambry Variant Classification Scheme 2023. Collection method: clinical testing. Allele origin: germline.

Labcorp Genetics (formerly Invitae), Labcorp
Classification: Uncertain significance. Last evaluated: 2022-11-01. Review status: criteria provided, single submitter. Criteria: Invitae Variant Classification Sherloc (09022015). Collection method: clinical testing. Allele origin: germline.
Comment: This sequence change replaces aspartic acid, which is acidic and polar, with alanine, which is neutral and non-polar, at codon 188 of the PAX1 protein (p.Asp188Ala). This variant is present in population databases (no rsID available, gnomAD 0.04%). This variant has not been reported in the literature in individuals affected with PAX1-related conditions. ClinVar contains an entry for this variant (Variation ID: 1418327). Advanced modeling of protein sequence and biophysical properties (such as structural, functional, and spatial information, amino acid conservation, physicochemical variation, residue mobility, and thermodynamic stability) performed at Invitae indicates that this missense variant is not expected to disrupt PAX1 protein function. In summary, the available evidence is currently insufficient to determine the role of this variant in disease. Therefore, it has been classified as a Variant of Uncertain Significance.

NM_001257096.2(PAX1):c.563A>C (p.Asp188Ala)

Gene: PAX1 (paired box 1; plus strand). Cytogenetic location: 20p11.22.
Variant type: single nucleotide variant.
Coding change: c.563A>C on transcript NM_001257096.2 (MANE Select); coding-DNA position 563, A replaced by C.
Protein change: p.Asp188Ala; replaces aspartic acid 188 with alanine.
Molecular consequence: missense variant.
Genome position (GRCh38, 1-based): chr20:21,706,714, A>C. VCF-style: chr20-21706714-A-C. GRCh37 (hg19) VCF-style: chr20-21687352-A-C.
Other names: c.563A>C, p.Asp188Ala (NM_006192.5); c.563A>C (NM_006192.3); short protein forms D188A.
Identifiers: ClinVar variation 1418327 (VCV001418327.6), dbSNP rs1392026050, ClinGen allele CA408498238.
Genomic context (GRCh38, chr20:21,706,714, plus strand): 5'-GCAAGCCCCGCGTCACCACTCCCAACGTGGTCAAGCACATCCGGGACTACAAGCAAGGAG[A>C]CCCTGGCATCTTTGCCTGGGAGATCCGCGACCGGCTGCTGGCCGACGGCGTCTGTGACAA-3'
Protein context (NP_001244025.1, residues 178-198): VKHIRDYKQG[Asp188Ala]PGIFAWEIRD